The following is an entry in ClinVar:

NM_052961.4(SLC26A8):c.639C>T (p.Gly213=)

Gene: SLC26A8 (solute carrier family 26 member 8; minus strand). Cytogenetic location: 6p21.31.
Variant type: single nucleotide variant.
Coding change: c.639C>T on transcript NM_052961.4 (MANE Select); coding-DNA position 639, C replaced by T.
Protein change: p.Gly213=; no amino-acid change (glycine 213 retained).
Molecular consequence: synonymous variant. On other transcripts: intron variant (1).
Genome position (GRCh38, 1-based): chr6:35,992,663, G>A on the plus strand (C>T on the coding strand, the complement: SLC26A8 is on the minus strand). VCF-style: chr6-35992663-G-A. GRCh37 (hg19) VCF-style: chr6-35960440-G-A.
Other names: c.639C>T, p.Gly213= (NM_001193476.2); c.627+5075C>T (NM_138718.3).
Identifiers: ClinVar variation 3038455 (VCV003038455.2), dbSNP rs760904652, ClinGen allele CA3775769.
Genomic context (GRCh38, chr6:35,992,663, plus strand): 5'-CAGGTAAGCACTCATTGCAGACTCCGGAAGGTAAGTGGCAATGAAGCCCAAACCCAATAC[G>A]CCCATTATTAGCTGCAGAGAAGAGAAAACCAGAGTGGGGTAGAATGTCTTCAATCCAGCA-3'
Protein context (NP_443193.1, residues 203-223): FLTGIIQLIM[Gly213=]VLGLGFIATY

ClinVar aggregate classification (germline): Likely benign (0 of 4 stars; one submission).

Conditions:
SLC26A8-related disorder. Also called: SLC26A8-related condition.

gnomAD v4.1: 31 of 1,609,406 alleles (0.0019%); highest among the groups gnomAD compares: African/African-American, 0.0053%; no homozygotes.

Submission:

PreventionGenetics, part of Exact Sciences
Classification: Likely benign for SLC26A8-related condition. Last evaluated: 2019-12-26. Review status: no assertion criteria provided. Collection method: clinical testing. Allele origin: germline.
Comment: This variant is classified as likely benign based on ACMG/AMP sequence variant interpretation guidelines (Richards et al. 2015 PMID: 25741868, with internal and published modifications).